The following is an entry in ClinVar:

ClinVar aggregate classification (germline): Likely benign (0 of 4 stars; one submission).

Conditions:
TNS1-related disorder. Also called: TNS1-related condition.

Allele frequency attached by ClinVar (database versions not stated): gnomAD 0.00003; TOPMed 0.00003.
gnomAD v4.1: 20 of 1,613,942 alleles (0.0012%); highest among the groups gnomAD compares: East Asian, 0.0089%; no homozygotes.

Submission:

PreventionGenetics, part of Exact Sciences
Classification: Likely benign for TNS1-related condition. Last evaluated: 2019-08-01. Review status: no assertion criteria provided. Collection method: clinical testing. Allele origin: germline.
Comment: This variant is classified as likely benign based on ACMG/AMP sequence variant interpretation guidelines (Richards et al. 2015 PMID: 25741868, with internal and published modifications).

NM_001387777.1(TNS1):c.5274-4G>T

Gene: TNS1 (tensin 1; minus strand). Cytogenetic location: 2q35.
Variant type: single nucleotide variant.
Coding change: c.5274-4G>T on transcript NM_001387777.1 (MANE Select); 4 bases into the intron before coding-DNA position 5274, G replaced by T.
Molecular consequence: intron variant.
Genome position (GRCh38, 1-based): chr2:217,808,675, C>A on the plus strand (G>T on the coding strand, the complement: TNS1 is on the minus strand). VCF-style: chr2-217808675-C-A. GRCh37 (hg19) VCF-style: chr2-218673398-C-A.
Other names: c.4899-4G>T (NM_001308023.2); c.4962-4G>T (NM_022648.7); c.4920-4G>T (NM_001308022.2).
Identifiers: ClinVar variation 3035556 (VCV003035556.2), dbSNP rs373152875, ClinGen allele CA65661875.
Genomic context (GRCh38, chr2:217,808,675, plus strand): 5'-GGATCCAGGTCACAGAAGGTGACAGTGTTGAGAGGGTAGTGGCGTCTGAAAAAGAGCCTG[C>A]AGCACAGACATCAGATAAACAGAGAATGAGTGCTGAAGGGGCTGCTTTTCCCCTCCTTCC-3'